The following is an entry in ClinVar:

ClinVar aggregate classification (germline): Benign/Likely benign. Review status: criteria provided, multiple submitters, no conflicts (2 of 4 stars). 14 submissions from 13 submitters: Benign (7); Likely benign (2). 5 of the submissions do not count toward it. Last evaluated 2026-02-04.

Conditions:
Cardiomyopathy (CMYO). Also called: Cardiomyopathies. Identifiers: Orphanet 167848, MedGen C0878544, MONDO:0004994, HP:0001638. Inheritance: Various modes of inheritance.
Catecholaminergic polymorphic ventricular tachycardia 1. Also called: VENTRICULAR TACHYCARDIA, STRESS-INDUCED POLYMORPHIC 1; VENTRICULAR TACHYCARDIA, CATECHOLAMINERGIC POLYMORPHIC, 1, WITH OR WITHOUT ATRIAL DYSFUNCTION AND/OR DILATED CARDIOMYOPATHY; RYR2-Related Catecholaminergic Polymorphic Ventricular Tachycardia. Identifiers: Orphanet 3286, MedGen C1631597, MONDO:0011484, OMIM 604772.
Arrhythmogenic right ventricular dysplasia 2. Identifiers: MedGen C1832931.

Allele frequency attached by ClinVar (database versions not stated): ESP Exome Variant Server 0.00560; gnomAD 0.00603 and 0.00609; TOPMed 0.00626; gnomAD exomes 0.00837 and 0.00851; ExAC 0.00896; 1000 Genomes Project 0.00919; 1000 Genomes Project 30x 0.00968.
gnomAD v4.1: 13,405 of 1,613,024 alleles (0.83%); highest among the groups gnomAD compares: South Asian, 2.2%; 88 homozygotes.

Submissions (14):

Labcorp Genetics (formerly Invitae), Labcorp
Classification: Benign for Catecholaminergic polymorphic ventricular tachycardia 1. Last evaluated: 2026-02-04. Review status: criteria provided, single submitter. Criteria: Invitae Variant Classification Sherloc (09022015). Collection method: clinical testing. Allele origin: germline.

ARUP Laboratories, Molecular Genetics and Genomics, ARUP Laboratories
Classification: Benign. Last evaluated: 2024-10-29. Review status: criteria provided, single submitter. Criteria: ARUP Molecular Germline Variant Investigation Process 2024. Collection method: clinical testing. Allele origin: germline.

Women's Health and Genetics/Laboratory Corporation of America, LabCorp
Classification: Benign. Last evaluated: 2019-08-26. Review status: criteria provided, single submitter. Criteria: LabCorp Variant Classification Summary - May 2015. Collection method: clinical testing. Allele origin: germline.
Comment: Variant summary: RYR2 c.14299-12A>G alters a non-conserved nucleotide located close to a canonical splice site and therefore could affect mRNA splicing, leading to a significantly altered protein sequence. The variant allele was found at a frequency of 0.0084 in 249208 control chromosomes in the gnomAD database, including 18 homozygotes. The observed variant frequency is approximately 334 fold of the estimated maximal expected allele frequency for a pathogenic variant in RYR2 causing Cardiomyopathy phenotype (2.5e-05), strongly suggesting that the variant is benign. Three clinical diagnostic laboratories have submitted clinical-significance assessments for this variant to ClinVar after 2014 without evidence for independent evaluation and classified the variant as benign/likely benign. Based on the evidence outlined above, the variant was classified as benign.

Color Diagnostics, LLC DBA Color Health
Classification: Benign for Cardiomyopathy. Last evaluated: 2018-03-15. Review status: criteria provided, single submitter. Criteria: ACMG Guidelines, 2015. Collection method: clinical testing. Allele origin: germline.

Illumina Laboratory Services, Illumina
Classification: Likely benign for Catecholaminergic polymorphic ventricular tachycardia 1. Last evaluated: 2018-01-12. Review status: criteria provided, single submitter. Criteria: ICSL Variant Classification Criteria 13 December 2019. Collection method: clinical testing. Allele origin: germline.
Comment: This variant was observed in the ICSL laboratory as part of a predisposition screen in an ostensibly healthy population. It had not been previously curated by ICSL or reported in the Human Gene Mutation Database (HGMD: prior to June 1st, 2018), and was therefore a candidate for classification through an automated scoring system. Utilizing variant allele frequency, disease prevalence and penetrance estimates, and inheritance mode, an automated score was calculated to assess if this variant is too frequent to cause the disease. Based on the score and internal cut-off values, a variant classified as likely benign is not then subjected to further curation. The score for this variant resulted in a classification of likely benign for this disease.

Illumina Laboratory Services, Illumina
Classification: Benign for Catecholaminergic polymorphic ventricular tachycardia 1. Last evaluated: 2018-01-12. Review status: criteria provided, single submitter. Criteria: ICSL Variant Classification Criteria 13 December 2019. Collection method: clinical testing. Allele origin: germline.
Comment: This variant was observed in the ICSL laboratory as part of a predisposition screen in an ostensibly healthy population. It had not been previously curated by ICSL or reported in the Human Gene Mutation Database (HGMD: prior to June 1st, 2018), and was therefore a candidate for classification through an automated scoring system. Utilizing variant allele frequency, disease prevalence and penetrance estimates, and inheritance mode, an automated score was calculated to assess if this variant is too frequent to cause the disease. Based on the score and internal cut-off values, a variant classified as benign is not then subjected to further curation. The score for this variant resulted in a classification of benign for this disease.

Laboratory for Molecular Medicine, Mass General Brigham Personalized Medicine
Classification: Benign. Last evaluated: 2015-03-06. Review status: criteria provided, single submitter. Criteria: LMM Criteria. Collection method: clinical testing. Allele origin: germline. Observed: 30 variant alleles.
Comment: c.14299-12A>G in intron 99 of RYR2: This variant is not expected to have clinica l significance because it has been identified in 2.4% (395/16510) of South Asian chromosomes by the Exome Aggregation Consortium (ExAC; dbSNP rs41267519).

GeneDx
Classification: Benign. Last evaluated: 2015-03-03. Review status: criteria provided, single submitter. Criteria: GeneDx Variant Classification Process June 2021. Collection method: clinical testing. Allele origin: germline. Affected: yes.

Breakthrough Genomics
Classification: Likely benign. Review status: criteria provided, single submitter. Criteria: ACMG Guidelines, 2015. Collection method: not provided. Allele origin: germline. Inheritance: Autosomal dominant inheritance. Affected: yes.

Clinical Genetics DNA and cytogenetics Diagnostics Lab, Erasmus MC, Erasmus Medical Center
Classification: Benign. Review status: no assertion criteria provided. Collection method: clinical testing. Allele origin: germline. Affected: yes. Study: VKGL Data-share Consensus. Not counted in ClinVar's aggregate classification.

Clinical Genetics, Academic Medical Center
Classification: Benign. Review status: no assertion criteria provided. Collection method: clinical testing. Allele origin: germline. Affected: yes. Study: VKGL Data-share Consensus. Not counted in ClinVar's aggregate classification.

Diagnostic Laboratory, Department of Genetics, University Medical Center Groningen
Classification: Likely benign. Review status: no assertion criteria provided. Collection method: clinical testing. Allele origin: germline. Affected: yes. Study: VKGL Data-share Consensus. Not counted in ClinVar's aggregate classification.

Genome Diagnostics Laboratory, University Medical Center Utrecht
Classification: Benign. Review status: no assertion criteria provided. Collection method: clinical testing. Allele origin: germline. Affected: yes. Study: VKGL Data-share Consensus. Not counted in ClinVar's aggregate classification.

Joint Genome Diagnostic Labs from Nijmegen and Maastricht, Radboudumc and MUMC+
Classification: Benign. Review status: no assertion criteria provided. Collection method: clinical testing. Allele origin: germline. Affected: yes. Study: VKGL Data-share Consensus. Not counted in ClinVar's aggregate classification.

NM_001035.3(RYR2):c.14299-12A>G

Gene: RYR2 (ryanodine receptor 2; plus strand). Cytogenetic location: 1q43.
Variant type: single nucleotide variant.
Coding change: c.14299-12A>G on transcript NM_001035.3 (MANE Select); 12 bases into the intron before coding-DNA position 14299, A replaced by G.
Molecular consequence: intron variant.
Genome position (GRCh38, 1-based): chr1:237,808,889, A>G. VCF-style: chr1-237808889-A-G. GRCh37 (hg19) VCF-style: chr1-237972189-A-G.
Identifiers: ClinVar variation 43740 (VCV000043740.38), dbSNP rs41267519, ClinGen allele CA008213.